The following is an entry in ClinVar:

ClinVar aggregate classification (germline): Pathogenic (1 of 4 stars; one submission).

Conditions:
3-methylcrotonyl-CoA carboxylase 2 deficiency. Also called: METHYLCROTONYLGLYCINURIA, TYPE II; 3 alpha methylcrotonyl-CoA carboxylase 2 deficiency; 3 alpha methylcrotonylglycinuria 2; MCC 2 deficiency; Methylcrotonylglycinuria type 2. Identifiers: Orphanet 6, MedGen C1859499, MONDO:0008862, OMIM 210210.

Submission:

Myriad Genetics, Inc.
Classification: Pathogenic for 3-methylcrotonyl-CoA carboxylase 2 deficiency. Last evaluated: 2026-02-14. Review status: criteria provided, single submitter. Criteria: Myriad Autosomal Dominant, Autosomal Recessive and X-Linked Classification Criteria (2023). Collection method: clinical testing. Allele origin: unknown.
Comment: NM_022132.4(MCCC2):c.233_239del7(R78Nfs*12) is expected to be pathogenic in the context of 3-methylcrotonyl-CoA carboxylase deficiency, MCCC2-related. This variant is predicted to lead to an abnormal or absent protein product due to the creation of a premature termination codon in MCCC2, a gene where loss-of-function variants are known to be pathogenic. Please note: this variant was assessed in the context of healthy population screening.

NM_022132.5(MCCC2):c.233_239del (p.Arg78fs)

Gene: MCCC2 (methylcrotonyl-CoA carboxylase subunit 2; plus strand). Cytogenetic location: 5q13.2.
Variant type: Deletion.
Coding change: c.233_239del on transcript NM_022132.5 (MANE Select); coding-DNA positions 233 to 239, 7 bases deleted (GAGGAAA; older notation c.233_239delGAGGAAA).
Protein change: p.Arg78fs; shifts the reading frame from arginine 78.
Molecular consequence: frameshift variant.
Genome position (GRCh38, 1-based): chr5:71,596,316-71,596,322, GAGGAAA deleted; deleting any 7 consecutive bases within chr5:71,596,314-71,596,322 gives the same sequence; the c. name uses the placement nearest the transcript's 3' end. VCF-style (leftmost placement, unchanged base first): chr5-71596313-CAAGAGGA-C. GRCh37 (hg19) VCF-style: chr5-70892140-CAAGAGGA-C.
Other names: c.233_239del, p.Arg78fs (NM_001363147.1); short protein forms R78fs.
Identifiers: ClinVar variation 5015549 (VCV005015549.1).